The following is an entry in ClinVar:

NM_004104.5(FASN):c.742A>G (p.Asn248Asp)

Gene: FASN (fatty acid synthase; minus strand). Cytogenetic location: 17q25.3.
Variant type: single nucleotide variant.
Coding change: c.742A>G on transcript NM_004104.5 (MANE Select); coding-DNA position 742, A replaced by G.
Protein change: p.Asn248Asp; replaces asparagine 248 with aspartic acid.
Molecular consequence: missense variant.
Genome position (GRCh38, 1-based): chr17:82,092,933, T>C on the plus strand (A>G on the coding strand, the complement: FASN is on the minus strand). VCF-style: chr17-82092933-T-C. GRCh37 (hg19) VCF-style: chr17-80050809-T-C.
Other names: short protein forms N248D.
Identifiers: ClinVar variation 1502289 (VCV001502289.8), dbSNP rs2144806943, ClinGen allele CA401563263.
Genomic context (GRCh38, chr17:82,092,933, plus strand): 5'-CCCCGGAACCCCGGCAGAGCCCACCTTGCTCCTTGAAGCCATCTGTATTGGTGCCGGCGT[T>C]CAGGATGGTGGCGTACACCCGCCGGGCCAGGGACTTCTTGGTCAGCAGGACGGCCACCAC-3'
Protein context (NP_004095.4, residues 238-258): LARRVYATIL[Asn248Asp]AGTNTDGFKE

ClinVar aggregate classification (germline): Uncertain significance (1 of 4 stars; one submission).

Conditions:
Epileptic encephalopathy. Identifiers: MedGen C0543888, HP:0200134.

gnomAD v4.1: 1 of 1,608,732 alleles (0.000062%); no homozygotes.

Submission:

Labcorp Genetics (formerly Invitae), Labcorp
Classification: Uncertain significance for Epileptic encephalopathy. Last evaluated: 2021-02-09. Review status: criteria provided, single submitter. Criteria: Invitae Variant Classification Sherloc (09022015). Collection method: clinical testing. Allele origin: germline.
Comment: In summary, the available evidence is currently insufficient to determine the role of this variant in disease. Therefore, it has been classified as a Variant of Uncertain Significance. Algorithms developed to predict the effect of missense changes on protein structure and function (SIFT, PolyPhen-2, Align-GVGD) all suggest that this variant is likely to be tolerated, but these predictions have not been confirmed by published functional studies and their clinical significance is uncertain. This variant has not been reported in the literature in individuals with FASN-related conditions. This variant is not present in population databases (ExAC no frequency). This sequence change replaces asparagine with aspartic acid at codon 248 of the FASN protein (p.Asn248Asp). The asparagine residue is moderately conserved and there is a small physicochemical difference between asparagine and aspartic acid.